The following is an entry in ClinVar:

NC_000021.9:g.46286300C>G

Gene: YBEY (ybeY metalloendoribonuclease; plus strand). Cytogenetic location: 21q22.3.
Variant type: single nucleotide variant.
Genome position: GRCh38 VCF-style: chr21-46286300-C-G. GRCh37 (hg19) VCF-style: chr21-47706214-C-G.
Identifiers: ClinVar variation 2652822 (VCV002652822.24), dbSNP rs186995425, ClinGen allele CA14888094.
Genomic context (GRCh38, chr21:46,286,300, plus strand): 5'-AGCGCTGCGCACCGCGGGCAGAAAACGCCGCGGACCGACTTCCGGTTCGCTCAGCACTAC[C>G]GGATTCCGCCCCGCCCGCTGCGATCCGGTTCCGCTCCCCACAACCCGCTCTGTGGCGGGG-3'

ClinVar aggregate classification (germline): Likely benign (1 of 4 stars; one submission).

Allele frequency attached by ClinVar (database versions not stated): 1000 Genomes Project 30x 0.00156; 1000 Genomes Project 0.00180; TOPMed 0.00313; gnomAD exomes 0.00388.

Submission:

CeGaT Center for Human Genetics Tuebingen
Classification: Likely benign. Last evaluated: 2023-03-01. Review status: criteria provided, single submitter. Criteria: CeGaT Center For Human Genetics Tuebingen Variant Classification Criteria Version 2. Collection method: clinical testing. Allele origin: germline. Affected: yes. Observed: 2 variant alleles.
Comment: YBEY: BS2